The following is an entry in ClinVar:

NM_001375380.1(EBF3):c.1743C>T (p.Asn581=)

Gene: EBF3 (EBF transcription factor 3; minus strand). Cytogenetic location: 10q26.3.
Variant type: single nucleotide variant.
Coding change: c.1743C>T on transcript NM_001375380.1 (MANE Select); coding-DNA position 1743, C replaced by T.
Protein change: p.Asn581=; no amino-acid change (asparagine 581 retained).
Molecular consequence: synonymous variant.
Genome position (GRCh38, 1-based): chr10:129,840,261, G>A on the plus strand (C>T on the coding strand, the complement: EBF3 is on the minus strand). VCF-style: chr10-129840261-G-A. GRCh37 (hg19) VCF-style: chr10-131638525-G-A.
Other names: c.1608C>T, p.Asn536= (NM_001005463.3, NM_001375390.1); c.1743C>T, p.Asn581= (NM_001375379.1); c.1635C>T, p.Asn545= (NM_001375389.1, NM_001375391.1); c.1527C>T, p.Asn509= (NM_001375392.1).
Identifiers: ClinVar variation 755545 (VCV000755545.5), dbSNP rs7092828, ClinGen allele CA5748254.

ClinVar aggregate classification (germline): Likely benign. Review status: criteria provided, multiple submitters, no conflicts (2 of 4 stars). 3 submissions from 3 submitters: Likely benign (3). Last evaluated 2026-09-04.

Conditions:
EBF3-related disorder. Identifiers: MedGen CN239924.

Allele frequency attached by ClinVar (database versions not stated): gnomAD 0.00007; gnomAD exomes 0.00008 and 0.00010; TOPMed 0.00008; ESP Exome Variant Server 0.00023; ExAC 0.00032.
gnomAD v4.1: 129 of 1,530,460 alleles (0.0084%); highest among the groups gnomAD compares: South Asian, 0.03%; 1 homozygote.

Submissions (3):

PreventionGenetics, part of Exact Sciences
Classification: Likely benign for EBF3-related condition. Last evaluated: 2026-09-04. Review status: criteria provided, single submitter. Criteria: ACMG Guidelines, 2015. Collection method: clinical testing. Allele origin: germline.
Comment: This variant is classified as likely benign based on ACMG/AMP sequence variant interpretation guidelines (Richards et al. 2015 PMID: 25741868, with internal and published modifications).

Blueprint Genetics
Classification: Likely benign. Last evaluated: 2022-03-04. Review status: criteria provided, single submitter. Criteria: ACMG Guidelines, 2015. Collection method: clinical testing. Allele origin: germline.

Labcorp Genetics (formerly Invitae), Labcorp
Classification: Likely benign. Last evaluated: 2018-07-26. Review status: criteria provided, single submitter. Criteria: Invitae Variant Classification Sherloc (09022015). Collection method: clinical testing. Allele origin: germline.